The following is an entry in ClinVar:

ClinVar aggregate classification (germline): Uncertain significance. Review status: criteria provided, multiple submitters, no conflicts (2 of 4 stars). 2 submissions from 2 submitters: Uncertain significance (2). Last evaluated 2025-01-06.

Submissions (2):

Women's Health and Genetics/Laboratory Corporation of America, LabCorp
Classification: Uncertain significance. Last evaluated: 2025-01-06. Review status: criteria provided, single submitter. Criteria: LabCorp Variant Classification Summary - May 2015. Collection method: clinical testing. Allele origin: germline.
Comment: Variant summary: SRCAP c.1815+5C>T alters a nucleotide located close to a canonical splice site and therefore could affect mRNA splicing, leading to a significantly altered protein sequence. Consensus agreement among computation tools predict no significant impact on normal splicing. However, these predictions have yet to be confirmed by functional studies. The variant was absent in 250606 control chromosomes. The available data on variant occurrences in the general population are insufficient to allow any conclusion about variant significance. To our knowledge, no occurrence of c.1815+5C>T in individuals affected with Floating-Harbor Syndrome and no experimental evidence demonstrating its impact on protein function have been reported. No submitters have cited clinical-significance assessments for this variant to ClinVar. Based on the evidence outlined above, the variant was classified as uncertain significance.

Labcorp Genetics (formerly Invitae), Labcorp
Classification: Uncertain significance. Last evaluated: 2024-04-25. Review status: criteria provided, single submitter. Criteria: Invitae Variant Classification Sherloc (09022015). Collection method: clinical testing. Allele origin: germline.
Comment: This sequence change falls in intron 12 of the SRCAP gene. It does not directly change the encoded amino acid sequence of the SRCAP protein. It affects a nucleotide within the consensus splice site. This variant is not present in population databases (gnomAD no frequency). This variant has not been reported in the literature in individuals affected with SRCAP-related conditions. Variants that disrupt the consensus splice site are a relatively common cause of aberrant splicing (PMID: 17576681, 9536098). Algorithms developed to predict the effect of sequence changes on RNA splicing suggest that this variant is not likely to affect RNA splicing. In summary, the available evidence is currently insufficient to determine the role of this variant in disease. Therefore, it has been classified as a Variant of Uncertain Significance.

Literature cited by the submitters: PubMed 17576681 (cited by Labcorp Genetics (formerly Invitae), Labcorp); PubMed 9536098 (cited by Labcorp Genetics (formerly Invitae), Labcorp).

NM_006662.3(SRCAP):c.1815+5C>T

Gene: SRCAP (Snf2 related CREBBP activator protein; plus strand). Cytogenetic location: 16p11.2.
Variant type: single nucleotide variant.
Coding change: c.1815+5C>T on transcript NM_006662.3 (MANE Select); 5 bases into the intron after coding-DNA position 1815, C replaced by T.
Molecular consequence: intron variant.
Genome position (GRCh38, 1-based): chr16:30,712,162, C>T. VCF-style: chr16-30712162-C-T. GRCh37 (hg19) VCF-style: chr16-30723483-C-T.
Identifiers: ClinVar variation 3665993 (VCV003665993.4).